The following is an entry in ClinVar:

NM_022436.3(ABCG5):c.1408C>G (p.His470Asp)

Genes: ABCG5 (ATP binding cassette subfamily G member 5; minus strand), DYNC2LI1 (dynein cytoplasmic 2 light intermediate chain 1; plus strand). Cytogenetic location: 2p21.
Variant type: single nucleotide variant.
Coding change: c.1408C>G on transcript NM_022436.3 (MANE Select); coding-DNA position 1408, C replaced by G.
Protein change: p.His470Asp; replaces histidine 470 with aspartic acid.
Molecular consequence: missense variant. On other transcripts: intron variant (2).
Genome position (GRCh38, 1-based): chr2:43,822,852, G>C on the plus strand (C>G on the coding strand, the complement: ABCG5 is on the minus strand). VCF-style: chr2-43822852-G-C. GRCh37 (hg19) VCF-style: chr2-44049991-G-C.
Other names: c.*16-4534G>C (NM_001348913.2, NM_001348912.2); short protein forms H470D.
Identifiers: ClinVar variation 4862865 (VCV004862865.1).
Genomic context (GRCh38, chr2:43,822,852, plus strand): 5'-CTCACCAGTAGCACACACTGCTGAAAATCATGGTGGCAACAACGCTGAAGGGGAGGACGT[G>C]CAGTGCATAGGCCAGCATCATCTGCCACTTCTGGTAGAGGCCGTCCTGACTCTCCTGGTC-3'
Protein context (NP_071881.1, residues 460-480): KWQMMLAYAL[His470Asp]VLPFSVVATM

ClinVar aggregate classification (germline): Uncertain significance (1 of 4 stars; one submission).

Conditions:
Cardiovascular phenotype. Identifiers: MedGen CN230736.

Submission:

Ambry Genetics
Classification: Uncertain significance for Cardiovascular phenotype. Last evaluated: 2026-03-29. Review status: criteria provided, single submitter. Criteria: Ambry Variant Classification Scheme 2023. Collection method: clinical testing. Allele origin: germline.
Comment: The p.H470D variant (also known as c.1408C>G), located in coding exon 10 of the ABCG5 gene, results from a C to G substitution at nucleotide position 1408. The histidine at codon 470 is replaced by aspartic acid, an amino acid with similar properties. This amino acid position is conserved. In addition, this alteration is predicted to be deleterious by in silico analysis. Based on the available evidence, the clinical significance of this variant remains unclear.